The following is an entry in ClinVar:

ClinVar aggregate classification (germline): Benign/Likely benign. Review status: criteria provided, multiple submitters, no conflicts (2 of 4 stars). 11 submissions from 8 submitters: Benign (5); Likely benign (6). Last evaluated 2026-02-01.

Conditions:
Cardiovascular phenotype. Identifiers: MedGen CN230736.
Autosomal recessive limb-girdle muscular dystrophy type 2J (LGMDR10). Also called: Limb-girdle muscular dystrophy, type 2J; MUSCULAR DYSTROPHY, LIMB-GIRDLE, AUTOSOMAL RECESSIVE 10. Identifiers: Orphanet 140922, MedGen C1837342, MONDO:0012127, OMIM 608807.
Dilated cardiomyopathy 1G (CMD1G). Identifiers: Orphanet 154, MedGen C1858763, MONDO:0011400, OMIM 604145.
TTN-related disorder. Also called: TTN-related condition; TTN-related disease; TTN-related disorders.
Myopathy, myofibrillar, 9, with early respiratory failure (MFM9). Also called: Hereditary myopathy with early respiratory failure; MYOPATHY, PROXIMAL, WITH EARLY RESPIRATORY MUSCLE INVOLVEMENT; EDSTROM MYOPATHY; Myopathy, distal, with early respiratory failure, autosomal dominant. Identifiers: Orphanet 178464, Orphanet 34521, MedGen C1863599, MONDO:0011362, OMIM 603689.
Tibial muscular dystrophy (TMD). Also called: Udd Distal Myopathy – Tibial Muscular Dystrophy; UDD MYOPATHY; Tibial muscular dystrophy, tardive. Identifiers: Orphanet 609, MedGen C1838244, MONDO:0010870, OMIM 600334.
Early-onset myopathy with fatal cardiomyopathy (CMYO5). Also called: Salih Myopathy; CONGENITAL MYOPATHY 5 WITH CARDIOMYOPATHY. Identifiers: Orphanet 289377, MedGen C2673677, MONDO:0012714, OMIM 611705. Disease mechanism: loss of function.

Allele frequency attached by ClinVar (database versions not stated): ExAC 0.00002; gnomAD exomes 0.00002 and 0.00007; gnomAD 0.00006; TOPMed 0.00007.
gnomAD v4.1: 112 of 1,613,688 alleles (0.0069%); highest among the groups gnomAD compares: Non-Finnish European, 0.0085%; no homozygotes.

Submissions (11):

Labcorp Genetics (formerly Invitae), Labcorp
Classification: Likely benign for Dilated cardiomyopathy 1G; Autosomal recessive limb-girdle muscular dystrophy type 2J. Last evaluated: 2026-02-01. Review status: criteria provided, single submitter. Criteria: Invitae Variant Classification Sherloc (09022015). Collection method: clinical testing. Allele origin: germline.

Women's Health and Genetics/Laboratory Corporation of America, LabCorp
Classification: Likely benign. Last evaluated: 2025-09-08. Review status: criteria provided, single submitter. Criteria: LabCorp Variant Classification Summary - May 2015. Collection method: clinical testing. Allele origin: germline.

PreventionGenetics, part of Exact Sciences
Classification: Likely benign for TTN-related condition. Last evaluated: 2025-07-08. Review status: criteria provided, single submitter. Criteria: ACMG Guidelines, 2015. Collection method: clinical testing. Allele origin: germline.
Comment: This variant is classified as likely benign based on ACMG/AMP sequence variant interpretation guidelines (Richards et al. 2015 PMID: 25741868, with internal and published modifications).

Molecular Diagnostic Laboratory for Inherited Cardiovascular Disease, Montreal Heart Institute
Classification: Likely benign. Last evaluated: 2025-04-09. Review status: criteria provided, single submitter. Criteria: ACMG Guidelines, 2015. Collection method: clinical testing. Allele origin: germline. Affected: no.

Blueprint Genetics
Classification: Likely benign. Last evaluated: 2022-09-09. Review status: criteria provided, single submitter. Criteria: ACMG Guidelines, 2015. Collection method: clinical testing. Allele origin: germline.

Genome-Nilou Lab
Classification: Benign for Autosomal recessive limb-girdle muscular dystrophy type 2J. Last evaluated: 2021-09-10. Review status: criteria provided, single submitter. Criteria: ACMG Guidelines, 2015. Collection method: clinical testing. Allele origin: germline. Affected: no.

Genome-Nilou Lab
Classification: Benign for Myopathy, myofibrillar, 9, with early respiratory failure. Last evaluated: 2021-09-10. Review status: criteria provided, single submitter. Criteria: ACMG Guidelines, 2015. Collection method: clinical testing. Allele origin: germline. Affected: no.

Genome-Nilou Lab
Classification: Benign for Early-onset myopathy with fatal cardiomyopathy. Last evaluated: 2021-09-10. Review status: criteria provided, single submitter. Criteria: ACMG Guidelines, 2015. Collection method: clinical testing. Allele origin: germline. Affected: no.

Genome-Nilou Lab
Classification: Benign for Tibial muscular dystrophy. Last evaluated: 2021-09-10. Review status: criteria provided, single submitter. Criteria: ACMG Guidelines, 2015. Collection method: clinical testing. Allele origin: germline. Affected: no.

Ambry Genetics
Classification: Likely benign for Cardiovascular phenotype. Last evaluated: 2020-10-20. Review status: criteria provided, single submitter. Criteria: Ambry Variant Classification Scheme 2023. Collection method: clinical testing. Allele origin: germline.

GeneDx
Classification: Benign. Last evaluated: 2017-02-15. Review status: criteria provided, single submitter. Criteria: GeneDx Variant Classification (06012015). Collection method: clinical testing. Allele origin: germline. Affected: yes.
Comment: This variant is considered likely benign or benign based on one or more of the following criteria: it is a conservative change, it occurs at a poorly conserved position in the protein, it is predicted to be benign by multiple in silico algorithms, and/or has population frequency not consistent with disease.

NM_001267550.2(TTN):c.91089G>A (p.Lys30363=)

Genes: TTN (titin; minus strand), TTN-AS1 (TTN antisense RNA 1; plus strand). Cytogenetic location: 2q31.2.
Variant type: single nucleotide variant.
Coding change: c.91089G>A on transcript NM_001267550.2 (MANE Select); coding-DNA position 91089, G replaced by A.
Protein change: p.Lys30363=; no amino-acid change (lysine 30363 retained).
Molecular consequence: synonymous variant.
Genome position (GRCh38, 1-based): chr2:178,551,811, C>T on the plus strand (G>A on the coding strand, the complement: TTN is on the minus strand). VCF-style: chr2-178551811-C-T. GRCh37 (hg19) VCF-style: chr2-179416538-C-T.
Other names: c.83385G>A, p.Lys27795= (NM_133378.4); c.64269G>A, p.Lys21423= (NM_133432.3); c.64470G>A, p.Lys21490= (NM_133437.4); c.86166G>A, p.Lys28722= (NM_001256850.1); c.63894G>A, p.Lys21298= (NM_003319.4).
Identifiers: ClinVar variation 467633 (VCV000467633.20), dbSNP rs762103106, ClinGen allele CA1987692.